The following is an entry in ClinVar:

ClinVar aggregate classification (germline): Uncertain significance. Review status: criteria provided, multiple submitters, no conflicts (2 of 4 stars). 2 submissions from 2 submitters: Uncertain significance (2). Last evaluated 2024-02-28.

Conditions:
Inborn genetic diseases. Identifiers: MedGen C0950123, MeSH D030342.
Intellectual disability, autosomal recessive 53 (NEDHSCA). Also called: GLYCOSYLPHOSPHATIDYLINOSITOL BIOSYNTHESIS DEFECT 13; Mental retardation, autosomal recessive 53; NEURODEVELOPMENTAL DISORDER WITH OR WITHOUT HYPOTONIA, SEIZURES, AND CEREBELLAR ATROPHY. Identifiers: Orphanet 488635, MedGen C4310794, MONDO:0014832, OMIM 616917.

Allele frequency attached by ClinVar (database versions not stated): TOPMed below 0.00001; ExAC 0.00002; gnomAD exomes 0.00003.
gnomAD v4.1: 13 of 1,614,186 alleles (0.00081%); highest among the groups gnomAD compares: East Asian, 0.027%; no homozygotes.

Submissions (2):

Ambry Genetics
Classification: Uncertain significance for Inborn genetic diseases. Last evaluated: 2024-02-28. Review status: criteria provided, single submitter. Criteria: Ambry Variant Classification Scheme 2023. Collection method: clinical testing. Allele origin: germline.

Labcorp Genetics (formerly Invitae), Labcorp
Classification: Uncertain significance for Intellectual disability, autosomal recessive 53. Last evaluated: 2021-09-01. Review status: criteria provided, single submitter. Criteria: Invitae Variant Classification Sherloc (09022015). Collection method: clinical testing. Allele origin: germline.
Comment: This sequence change replaces alanine with glycine at codon 588 of the PIGG protein (p.Ala588Gly). The alanine residue is moderately conserved and there is a small physicochemical difference between alanine and glycine. This variant is present in population databases (rs767022487, ExAC 0.03%). This variant has not been reported in the literature in individuals affected with PIGG-related conditions. Algorithms developed to predict the effect of missense changes on protein structure and function are either unavailable or do not agree on the potential impact of this missense change (SIFT: "Tolerated"; PolyPhen-2: "Possibly Damaging"; Align-GVGD: "Class C0"). Algorithms developed to predict the effect of sequence changes on RNA splicing suggest that this variant may create or strengthen a splice site. In summary, the available evidence is currently insufficient to determine the role of this variant in disease. Therefore, it has been classified as a Variant of Uncertain Significance.

NM_001127178.3(PIGG):c.1763C>G (p.Ala588Gly)

Gene: PIGG (phosphatidylinositol glycan anchor biosynthesis class G (EMM blood group); plus strand). Cytogenetic location: 4p16.3.
Variant type: single nucleotide variant.
Coding change: c.1763C>G on transcript NM_001127178.3 (MANE Select); coding-DNA position 1763, C replaced by G.
Protein change: p.Ala588Gly; replaces alanine 588 with glycine.
Molecular consequence: missense variant. On other transcripts: non-coding transcript variant (7).
Genome position (GRCh38, 1-based): chr4:523,607, C>G. VCF-style: chr4-523607-C-G. GRCh37 (hg19) VCF-style: chr4-517396-C-G.
Other names: c.1496C>G, p.Ala499Gly (NM_001289051.2, NM_001345986.2); c.1364C>G, p.Ala455Gly (NM_001289052.2); c.1472C>G, p.Ala491Gly (NM_001345987.2); c.734C>G, p.Ala245Gly (NM_001345988.2); c.230C>G, p.Ala77Gly (NM_001345990.2, NM_001345991.2); c.665C>G, p.Ala222Gly (NM_001345994.2); c.1739C>G, p.Ala580Gly (NM_017733.5); c.1763C>G (NM_001127178.1); short protein forms A245G, A455G, A491G, A499G, A580G, A222G, A588G, A77G.
Identifiers: ClinVar variation 649595 (VCV000649595.7), dbSNP rs767022487, ClinGen allele CA2793446.